The following is an entry in ClinVar:

NM_005732.4(RAD50):c.1529A>G (p.Glu510Gly)

Gene: RAD50 (RAD50 double strand break repair protein; plus strand). Cytogenetic location: 5q31.1.
Variant type: single nucleotide variant.
Coding change: c.1529A>G on transcript NM_005732.4 (MANE Select); coding-DNA position 1529, A replaced by G.
Protein change: p.Glu510Gly; replaces glutamic acid 510 with glycine.
Molecular consequence: missense variant.
Genome position (GRCh38, 1-based): chr5:132,591,300, A>G. VCF-style: chr5-132591300-A-G. GRCh37 (hg19) VCF-style: chr5-131926992-A-G.
Other names: short protein forms E510G.
Identifiers: ClinVar variation 3312306 (VCV003312306.1).

ClinVar aggregate classification (germline): Uncertain significance (1 of 4 stars; one submission).

Conditions:
Hereditary cancer-predisposing syndrome. Also called: Neoplastic Syndromes, Hereditary; Tumor predisposition; Hereditary neoplastic syndrome; Hereditary Cancer Syndrome. Identifiers: Orphanet 140162, MedGen C0027672, MeSH D009386, MONDO:0015356.

Submission:

Ambry Genetics
Classification: Uncertain significance for Hereditary cancer-predisposing syndrome. Last evaluated: 2024-03-27. Review status: criteria provided, single submitter. Criteria: Ambry Variant Classification Scheme 2023. Collection method: clinical testing. Allele origin: germline.
Comment: The p.E510G variant (also known as c.1529A>G), located in coding exon 10 of the RAD50 gene, results from an A to G substitution at nucleotide position 1529. The glutamic acid at codon 510 is replaced by glycine, an amino acid with similar properties. This amino acid position is conserved. In addition, the in silico prediction for this alteration is inconclusive. Based on the available evidence, the clinical significance of this alteration remains unclear.